The following is an entry in ClinVar:

NM_003200.5(TCF3):c.359T>C (p.Leu120Pro)

Gene: TCF3 (transcription factor 3; minus strand). Cytogenetic location: 19p13.3.
Variant type: single nucleotide variant.
Coding change: c.359T>C on transcript NM_003200.5 (MANE Select); coding-DNA position 359, T replaced by C.
Protein change: p.Leu120Pro; replaces leucine 120 with proline.
Molecular consequence: missense variant.
Genome position (GRCh38, 1-based): chr19:1,627,366, A>G on the plus strand (T>C on the coding strand, the complement: TCF3 is on the minus strand). VCF-style: chr19-1627366-A-G. GRCh37 (hg19) VCF-style: chr19-1627365-A-G.
Other names: c.359T>C (NM_003200.3); c.359T>C, p.Leu120Pro (NM_001136139.4, NM_001351778.2, NM_001351779.2); short protein forms L120P.
Identifiers: ClinVar variation 993939 (VCV000993939.25), dbSNP rs35354874, ClinGen allele CA9050437.

ClinVar aggregate classification (germline): Benign/Likely benign. Review status: criteria provided, multiple submitters, no conflicts (2 of 4 stars). 5 submissions from 5 submitters: Benign (3); Likely benign (1). 1 of the submissions does not count toward it. Last evaluated 2026-02-02.

Conditions:
TCF3-related disorder. Also called: TCF3-related condition.

Allele frequency attached by ClinVar (database versions not stated): gnomAD 0.01880 and 0.01928; gnomAD exomes 0.02384 and 0.01975; ExAC 0.02573; 1000 Genomes Project 30x 0.00796; 1000 Genomes Project 0.00839; TOPMed 0.01444; ESP Exome Variant Server 0.01583.
gnomAD v4.1: 37,439 of 1,609,504 alleles (2.3%); highest among the groups gnomAD compares: Non-Finnish European, 2.5%; 535 homozygotes.

Submissions (5):

Labcorp Genetics (formerly Invitae), Labcorp
Classification: Benign. Last evaluated: 2026-02-02. Review status: criteria provided, single submitter. Criteria: Invitae Variant Classification Sherloc (09022015). Collection method: clinical testing. Allele origin: germline.

Women's Health and Genetics/Laboratory Corporation of America, LabCorp
Classification: Likely benign. Last evaluated: 2026-01-23. Review status: criteria provided, single submitter. Criteria: LabCorp Variant Classification Summary - May 2015. Collection method: clinical testing. Allele origin: germline.

ARUP Laboratories, Molecular Genetics and Genomics, ARUP Laboratories
Classification: Benign. Last evaluated: 2024-11-25. Review status: criteria provided, single submitter. Criteria: ARUP Molecular Germline Variant Investigation Process 2024. Collection method: clinical testing. Allele origin: germline.

Breakthrough Genomics
Classification: Benign. Review status: criteria provided, single submitter. Criteria: ACMG Guidelines, 2015. Collection method: not provided. Allele origin: germline. Inheritance: Autosomal recessive inheritance. Affected: yes.

PreventionGenetics, part of Exact Sciences
Classification: Benign for TCF3-related condition. Last evaluated: 2019-07-15. Review status: no assertion criteria provided. Collection method: clinical testing. Allele origin: germline. Not counted in ClinVar's aggregate classification.
Comment: This variant is classified as benign based on ACMG/AMP sequence variant interpretation guidelines (Richards et al. 2015 PMID: 25741868, with internal and published modifications).